The following is an entry in ClinVar:

NM_001005361.3(DNM2):c.1482C>T (p.Ile494=)

Gene: DNM2 (dynamin 2; plus strand). Cytogenetic location: 19p13.2.
Variant type: single nucleotide variant.
Coding change: c.1482C>T on transcript NM_001005361.3 (MANE Select); coding-DNA position 1482, C replaced by T.
Protein change: p.Ile494=; no amino-acid change (isoleucine 494 retained).
Molecular consequence: synonymous variant.
Genome position (GRCh38, 1-based): chr19:10,802,347, C>T. VCF-style: chr19-10802347-C-T. GRCh37 (hg19) VCF-style: chr19-10913023-C-T.
Other names: c.1482C>T, p.Ile494= (NM_001005360.3, NM_001005362.3, NM_001190716.2 and 1 more transcripts); c.1482C>T (NM_001005360.2).
Identifiers: ClinVar variation 1086372 (VCV001086372.10), dbSNP rs377458236, ClinGen allele CA9201175.

ClinVar aggregate classification (germline): Likely benign. Review status: criteria provided, multiple submitters, no conflicts (2 of 4 stars). 2 submissions from 2 submitters: Likely benign (2). Last evaluated 2025-06-20.

Conditions:
Charcot-Marie-Tooth disease dominant intermediate B (CMTDIB). Also called: Charcot-Marie-Tooth disease dominant intermediate 1; CMT DI1; Charcot-Marie-Tooth disease dominant intermediate I; CHARCOT-MARIE-TOOTH NEUROPATHY, DOMINANT INTERMEDIATE B. Identifiers: Orphanet 100044, Orphanet 228179, MedGen C1847902, MONDO:0011674, OMIM 606482.
DNM2-related disorder. Also called: DNM2-related condition.

Allele frequency attached by ClinVar (database versions not stated): gnomAD 0.00001; ExAC 0.00002; gnomAD exomes 0.00002; ESP Exome Variant Server 0.00008.
gnomAD v4.1: 21 of 1,614,006 alleles (0.0013%); highest among the groups gnomAD compares: Admixed American, 0.0033%; no homozygotes.

Submissions (2):

PreventionGenetics, part of Exact Sciences
Classification: Likely benign for DNM2-related condition. Last evaluated: 2025-06-20. Review status: criteria provided, single submitter. Criteria: ACMG Guidelines, 2015. Collection method: clinical testing. Allele origin: germline.
Comment: This variant is classified as likely benign based on ACMG/AMP sequence variant interpretation guidelines (Richards et al. 2015 PMID: 25741868, with internal and published modifications).

Labcorp Genetics (formerly Invitae), Labcorp
Classification: Likely benign for Charcot-Marie-Tooth disease dominant intermediate B. Last evaluated: 2025-02-13. Review status: criteria provided, single submitter. Criteria: Invitae Variant Classification Sherloc (09022015). Collection method: clinical testing. Allele origin: germline.